The following is an entry in ClinVar:

NM_006950.3(SYN1):c.659A>G (p.Tyr220Cys)

Gene: SYN1 (synapsin I; minus strand). Cytogenetic location: Xp11.23.
Variant type: single nucleotide variant.
Coding change: c.659A>G on transcript NM_006950.3 (MANE Select); coding-DNA position 659, A replaced by G.
Protein change: p.Tyr220Cys; replaces tyrosine 220 with cysteine.
Molecular consequence: missense variant.
Genome position (GRCh38, 1-based): chrX:47,605,248, T>C on the plus strand (A>G on the coding strand, the complement: SYN1 is on the minus strand). VCF-style: chrX-47605248-T-C. GRCh37 (hg19) VCF-style: chrX-47464647-T-C.
Other names: c.659A>G, p.Tyr220Cys (NM_133499.2); short protein forms Y220C.
Identifiers: ClinVar variation 3729189 (VCV003729189.2).
Genomic context (GRCh38, chrX:47,605,248, plus strand): 5'-TTCCCTCTGCCAGTGGCACCCTTCCTGTTACTTACCACCCAGGGCTTGTCACAGAAGTTG[T>C]AGACAGAATGCAAGGAGTTAACACTGGGGATTCCAGCATACTGCAGCCCAATGACCAAAC-3'
Protein context (NP_008881.2, residues 210-230): IPSVNSLHSV[Tyr220Cys]NFCDKPWVFA

ClinVar aggregate classification (germline): Uncertain significance (1 of 4 stars; one submission).

Conditions:
Epilepsy, X-linked 1, with variable learning disabilities and behavior disorders. Also called: X-linked epilepsy-learning disabilities-behavior disorders syndrome. Identifiers: Orphanet 85294, MedGen C5774177, MONDO:0010339, OMIM 300491.

Submission:

Labcorp Genetics (formerly Invitae), Labcorp
Classification: Uncertain significance for Epilepsy, X-linked 1, with variable learning disabilities and behavior disorders. Last evaluated: 2025-01-19. Review status: criteria provided, single submitter. Criteria: Invitae Variant Classification Sherloc (09022015). Collection method: clinical testing. Allele origin: germline.
Comment: This sequence change replaces tyrosine, which is neutral and polar, with cysteine, which is neutral and slightly polar, at codon 220 of the SYN1 protein (p.Tyr220Cys). This variant is not present in population databases (gnomAD no frequency). This variant has not been reported in the literature in individuals affected with SYN1-related conditions. An algorithm developed to predict the effect of missense changes on protein structure and function (PolyPhen-2) suggests that this variant is likely to be disruptive. In summary, the available evidence is currently insufficient to determine the role of this variant in disease. Therefore, it has been classified as a Variant of Uncertain Significance.